The following is an entry in ClinVar:

ClinVar aggregate classification (germline): Uncertain significance (1 of 4 stars; one submission).

Conditions:
Autosomal dominant epilepsy with auditory features. Identifiers: Orphanet 101046, MedGen C1838062, MONDO:0010898.

Submission:

Labcorp Genetics (formerly Invitae), Labcorp
Classification: Uncertain significance for Autosomal dominant epilepsy with auditory features. Last evaluated: 2023-10-08. Review status: criteria provided, single submitter. Criteria: Invitae Variant Classification Sherloc (09022015). Collection method: clinical testing. Allele origin: germline.
Comment: This sequence change replaces leucine, which is neutral and non-polar, with valine, which is neutral and non-polar, at codon 120 of the LGI1 protein (p.Leu120Val). This variant is not present in population databases (gnomAD no frequency). This variant has not been reported in the literature in individuals affected with LGI1-related conditions. An algorithm developed to predict the effect of missense changes on protein structure and function (PolyPhen-2) suggests that this variant is likely to be disruptive. In summary, the available evidence is currently insufficient to determine the role of this variant in disease. Therefore, it has been classified as a Variant of Uncertain Significance.

NM_005097.4(LGI1):c.358T>G (p.Leu120Val)

Gene: LGI1 (leucine rich glioma inactivated 1; plus strand). Cytogenetic location: 10q23.33.
Variant type: single nucleotide variant.
Coding change: c.358T>G on transcript NM_005097.4 (MANE Select); coding-DNA position 358, T replaced by G.
Protein change: p.Leu120Val; replaces leucine 120 with valine.
Molecular consequence: missense variant. On other transcripts: intron variant (1).
Genome position (GRCh38, 1-based): chr10:93,777,449, T>G. VCF-style: chr10-93777449-T-G. GRCh37 (hg19) VCF-style: chr10-95537206-T-G.
Other names: c.358T>G, p.Leu120Val (NM_001308275.2); c.288-12650T>G (NM_001308276.2); short protein forms L120V.
Identifiers: ClinVar variation 2766839 (VCV002766839.3), dbSNP rs1554905045, ClinGen allele CA315727.
Genomic context (GRCh38, chr10:93,777,449, plus strand): 5'-TCGAACTCCTTTGATGTGATCAGTGATGATGCTTTTATTGGTCTTCCACATCTAGAGTAT[T>G]TGTAAGTAAAAAAGCTTTTTTAAAACATGATGATTCAGGACAAGTACTCTCAAGTTCCTG-3'
Protein context (NP_005088.1, residues 110-130): AFIGLPHLEY[Leu120Val]FIENNNIKSI